The following is an entry in ClinVar:

NM_001330700.2(TOP2B):c.4160A>G (p.Asp1387Gly)

Gene: TOP2B (DNA topoisomerase II beta; minus strand). Cytogenetic location: 3p24.2.
Variant type: single nucleotide variant.
Coding change: c.4160A>G on transcript NM_001330700.2 (MANE Select); coding-DNA position 4160, A replaced by G.
Protein change: p.Asp1387Gly; replaces aspartic acid 1387 with glycine.
Molecular consequence: missense variant.
Genome position (GRCh38, 1-based): chr3:25,607,309, T>C on the plus strand (A>G on the coding strand, the complement: TOP2B is on the minus strand). VCF-style: chr3-25607309-T-C. GRCh37 (hg19) VCF-style: chr3-25648800-T-C.
Other names: c.4145A>G, p.Asp1382Gly (NM_001068.3); short protein forms D1387G, D1382G.
Identifiers: ClinVar variation 3724874 (VCV003724874.2).

ClinVar aggregate classification (germline): Uncertain significance (1 of 4 stars; one submission).

gnomAD v4.1: 1 of 1,554,018 alleles (0.000064%); highest among the groups gnomAD compares: Non-Finnish European, 0.000087%; no homozygotes.

Submission:

Labcorp Genetics (formerly Invitae), Labcorp
Classification: Uncertain significance. Last evaluated: 2024-11-17. Review status: criteria provided, single submitter. Criteria: Invitae Variant Classification Sherloc (09022015). Collection method: clinical testing. Allele origin: germline.
Comment: This sequence change replaces aspartic acid, which is acidic and polar, with glycine, which is neutral and non-polar, at codon 1382 of the TOP2B protein (p.Asp1382Gly). This variant is not present in population databases (gnomAD no frequency). This variant has not been reported in the literature in individuals affected with TOP2B-related conditions. An algorithm developed to predict the effect of missense changes on protein structure and function (PolyPhen-2) suggests that this variant is likely to be tolerated. In summary, the available evidence is currently insufficient to determine the role of this variant in disease. Therefore, it has been classified as a Variant of Uncertain Significance.